The following is an entry in ClinVar:

NM_005475.3(SH2B3):c.1107C>G (p.Ile369Met)

Gene: SH2B3 (SH2B adaptor protein 3; plus strand). Cytogenetic location: 12q24.12.
Variant type: single nucleotide variant.
Coding change: c.1107C>G on transcript NM_005475.3 (MANE Select); coding-DNA position 1107, C replaced by G.
Protein change: p.Ile369Met; replaces isoleucine 369 with methionine.
Molecular consequence: missense variant.
Genome position (GRCh38, 1-based): chr12:111,447,415, C>G. VCF-style: chr12-111447415-C-G. GRCh37 (hg19) VCF-style: chr12-111885219-C-G.
Other names: c.501C>G, p.Ile167Met (NM_001291424.1); short protein forms I369M, I167M.
Identifiers: ClinVar variation 4630690 (VCV004630690.1).

ClinVar aggregate classification (germline): Uncertain significance (1 of 4 stars; one submission).

Conditions:
Inborn genetic diseases. Identifiers: MedGen C0950123, MeSH D030342.

Submission:

Ambry Genetics
Classification: Uncertain significance for Inborn genetic diseases. Last evaluated: 2025-09-21. Review status: criteria provided, single submitter. Criteria: Ambry Variant Classification Scheme 2023. Collection method: clinical testing. Allele origin: germline.
Comment: The p.I369M variant (also known as c.1107C>G), located in coding exon 5 of the SH2B3 gene, results from a C to G substitution at nucleotide position 1107. The isoleucine at codon 369 is replaced by methionine, an amino acid with highly similar properties. This amino acid position is conserved. In addition, the in silico prediction for this alteration is inconclusive. Based on the available evidence, the clinical significance of this variant remains unclear.